The following is an entry in ClinVar:

ClinVar aggregate classification (germline): Likely benign (0 of 4 stars; one submission).

Conditions:
CGNL1-related disorder. Also called: CGNL1-related condition.

Allele frequency attached by ClinVar (database versions not stated): gnomAD exomes 0.00243; 1000 Genomes Project 30x 0.00078; 1000 Genomes Project 0.00080; ExAC 0.00105; ESP Exome Variant Server 0.00123; gnomAD 0.00127; TOPMed 0.00134.
gnomAD v4.1: 3,765 of 1,614,138 alleles (0.23%); highest among the groups gnomAD compares: Non-Finnish European, 0.29%; 8 homozygotes.

Submissions (3):

PreventionGenetics, part of Exact Sciences
Classification: Likely benign for CGNL1-related condition. Last evaluated: 2022-09-15. Review status: no assertion criteria provided. Collection method: clinical testing. Allele origin: germline.
Comment: This variant is classified as likely benign based on ACMG/AMP sequence variant interpretation guidelines (Richards et al. 2015 PMID: 25741868, with internal and published modifications).

Dr. Peter K. Rogan Lab, Western University
No classification provided (evidence only). Condition: Clear cell carcinoma of kidney. Review status: no classification provided. Collection method: in vitro. Allele origin: not applicable. Functional consequence: retained intron. Not counted in ClinVar's aggregate classification.

Dr. Peter K. Rogan Lab, Western University
No classification provided (evidence only). Condition: Lung cancer. Review status: no classification provided. Collection method: in vitro. Allele origin: not applicable. Functional consequence: retained intron. Not counted in ClinVar's aggregate classification.

NM_032866.5(CGNL1):c.1187G>T (p.Gly396Val)

Gene: CGNL1 (cingulin like 1; plus strand). Cytogenetic location: 15q21.3.
Variant type: single nucleotide variant.
Coding change: c.1187G>T on transcript NM_032866.5 (MANE Select); coding-DNA position 1187, G replaced by T.
Protein change: p.Gly396Val; replaces glycine 396 with valine.
Molecular consequence: missense variant.
Genome position (GRCh38, 1-based): chr15:57,439,186, G>T. VCF-style: chr15-57439186-G-T. GRCh37 (hg19) VCF-style: chr15-57731384-G-T.
Other names: NC_000015.9:g.57731384G>T; c.1187G>T, p.Gly396Val (NM_001252335.2); short protein forms G396V.
Identifiers: ClinVar variation 3050618 (VCV003050618.3), dbSNP rs148544821, ClinGen allele CA7581716.